The following is an entry in ClinVar:

NM_001329943.3(KIAA0586):c.2947G>A (p.Glu983Lys)

Gene: KIAA0586 (KIAA0586; plus strand). Cytogenetic location: 14q23.1.
Variant type: single nucleotide variant.
Coding change: c.2947G>A on transcript NM_001329943.3 (MANE Select); coding-DNA position 2947, G replaced by A.
Protein change: p.Glu983Lys; replaces glutamic acid 983 with lysine.
Molecular consequence: missense variant.
Genome position (GRCh38, 1-based): chr14:58,482,515, G>A. VCF-style: chr14-58482515-G-A. GRCh37 (hg19) VCF-style: chr14-58949233-G-A.
Other names: c.3106G>A, p.Glu1036Lys (NM_001244189.2); c.2902G>A, p.Glu968Lys (NM_001244190.2); c.2692G>A, p.Glu898Lys (NM_001244191.2, NM_001329945.2, NM_001364700.1 and 1 more transcripts); c.2815G>A, p.Glu939Lys (NM_001244192.2); c.2527G>A, p.Glu843Lys (NM_001244193.2); c.2947G>A, p.Glu983Lys (NM_001329944.2, NM_001329946.2, NM_001329947.2); c.2719G>A, p.Glu907Lys (NM_014749.5); c.2719G>A (NM_014749.3); short protein forms E1036K, E898K, E939K, E843K, E983K, E907K, E968K.
Identifiers: ClinVar variation 1508745 (VCV001508745.4), dbSNP rs563109987, ClinGen allele CA7206027.

ClinVar aggregate classification (germline): Uncertain significance. Review status: criteria provided, multiple submitters, no conflicts (2 of 4 stars). 2 submissions from 2 submitters: Uncertain significance (2). Last evaluated 2025-05-28.

Conditions:
Joubert syndrome 23 (JBTS23). Identifiers: Orphanet 475, MedGen C4084822, MONDO:0014664, OMIM 616490.
Short-rib thoracic dysplasia 14 with polydactyly (SRTD14). Identifiers: Orphanet 397715, MedGen C4225286, MONDO:0014688, OMIM 616546.
Inborn genetic diseases. Identifiers: MedGen C0950123, MeSH D030342.

Allele frequency attached by ClinVar (database versions not stated): gnomAD exomes 0.00001 and 0.00007; TOPMed 0.00003; gnomAD 0.00001 and 0.00003; ExAC 0.00011; 1000 Genomes Project 0.00020; 1000 Genomes Project 30x 0.00031.
gnomAD v4.1: 11 of 1,475,928 alleles (0.00075%); highest among the groups gnomAD compares: East Asian, 0.028%; no homozygotes.

Submissions (2):

Ambry Genetics
Classification: Uncertain significance for Inborn genetic diseases. Last evaluated: 2025-05-28. Review status: criteria provided, single submitter. Criteria: Ambry Variant Classification Scheme 2023. Collection method: clinical testing. Allele origin: germline.

Labcorp Genetics (formerly Invitae), Labcorp
Classification: Uncertain significance for Joubert syndrome 23; Short-rib thoracic dysplasia 14 with polydactyly. Last evaluated: 2022-10-17. Review status: criteria provided, single submitter. Criteria: Invitae Variant Classification Sherloc (09022015). Collection method: clinical testing. Allele origin: germline.
Comment: This sequence change replaces glutamic acid, which is acidic and polar, with lysine, which is basic and polar, at codon 1036 of the KIAA0586 protein (p.Glu1036Lys). This variant is present in population databases (rs563109987, gnomAD 0.09%). This variant has not been reported in the literature in individuals affected with KIAA0586-related conditions. ClinVar contains an entry for this variant (Variation ID: 1508745). Algorithms developed to predict the effect of missense changes on protein structure and function (SIFT, PolyPhen-2, Align-GVGD) all suggest that this variant is likely to be tolerated. In summary, the available evidence is currently insufficient to determine the role of this variant in disease. Therefore, it has been classified as a Variant of Uncertain Significance.